The following is an entry in ClinVar:

NM_032578.4(MYPN):c.502C>T (p.His168Tyr)

Gene: MYPN (myopalladin; plus strand). Cytogenetic location: 10q21.3.
Variant type: single nucleotide variant.
Coding change: c.502C>T on transcript NM_032578.4 (MANE Select); coding-DNA position 502, C replaced by T.
Protein change: p.His168Tyr; replaces histidine 168 with tyrosine.
Molecular consequence: missense variant. On other transcripts: 5 prime UTR variant (1), non-coding transcript variant (1).
Genome position (GRCh38, 1-based): chr10:68,121,940, C>T. VCF-style: chr10-68121940-C-T. GRCh37 (hg19) VCF-style: chr10-69881697-C-T.
Other names: c.502C>T, p.His168Tyr (NM_001256267.2); c.-621C>T (NM_001256268.2); c.502C>T (NM_032578.2); short protein forms H168Y.
Identifiers: ClinVar variation 1987920 (VCV001987920.7), dbSNP rs1369595385, ClinGen allele CA377104495.

ClinVar aggregate classification (germline): Uncertain significance. Review status: criteria provided, multiple submitters, no conflicts (2 of 4 stars). 3 submissions from 3 submitters: Uncertain significance (3). Last evaluated 2026-08-24.

Conditions:
Cardiovascular phenotype. Identifiers: MedGen CN230736.
Dilated cardiomyopathy 1KK (CMD1KK). Identifiers: Orphanet 154, Orphanet 75249, MedGen C3714995, MONDO:0014100, OMIM 615248.

Allele frequency attached by ClinVar (database versions not stated): TOPMed below 0.00001; gnomAD exomes below 0.00001; gnomAD 0.00001.
gnomAD v4.1: 4 of 1,614,072 alleles (0.00025%); highest among the groups gnomAD compares: African/African-American, 0.0027%; no homozygotes.

Submissions (3):

Ambry Genetics
Classification: Uncertain significance for Cardiovascular phenotype. Last evaluated: 2026-08-24. Review status: criteria provided, single submitter. Criteria: Ambry Variant Classification Scheme 2023. Collection method: clinical testing. Allele origin: germline.
Comment: The p.H168Y variant (also known as c.502C>T), located in coding exon 1 of the MYPN gene, results from a C to T substitution at nucleotide position 502. The histidine at codon 168 is replaced by tyrosine, an amino acid with similar properties. This amino acid position is conserved. In addition, this alteration is predicted to be tolerated by in silico analysis. Based on the available evidence, the clinical significance of this variant remains unclear.

Revvity Omics, Revvity
Classification: Uncertain significance. Last evaluated: 2022-05-23. Review status: criteria provided, single submitter. Criteria: ACMG Guidelines, 2015. Collection method: clinical testing. Allele origin: germline.

Labcorp Genetics (formerly Invitae), Labcorp
Classification: Uncertain significance for Dilated cardiomyopathy 1KK. Last evaluated: 2022-03-25. Review status: criteria provided, single submitter. Criteria: Invitae Variant Classification Sherloc (09022015). Collection method: clinical testing. Allele origin: germline.
Comment: This sequence change replaces histidine, which is basic and polar, with tyrosine, which is neutral and polar, at codon 168 of the MYPN protein (p.His168Tyr). This variant is not present in population databases (gnomAD no frequency). This variant has not been reported in the literature in individuals affected with MYPN-related conditions. Algorithms developed to predict the effect of missense changes on protein structure and function are either unavailable or do not agree on the potential impact of this missense change (SIFT: "Deleterious"; PolyPhen-2: "Probably Damaging"; Align-GVGD: "Class C0"). In summary, the available evidence is currently insufficient to determine the role of this variant in disease. Therefore, it has been classified as a Variant of Uncertain Significance.